The following is an entry in ClinVar:

ClinVar aggregate classification (germline): Likely benign (0 of 4 stars; one submission).

Conditions:
CDH3-related disorder. Also called: CDH3-related condition.

Submission:

PreventionGenetics, part of Exact Sciences
Classification: Likely benign for CDH3-related condition. Last evaluated: 2020-04-20. Review status: no assertion criteria provided. Collection method: clinical testing. Allele origin: germline.
Comment: This variant is classified as likely benign based on ACMG/AMP sequence variant interpretation guidelines (Richards et al. 2015 PMID: 25741868, with internal and published modifications).

NM_001793.6(CDH3):c.1899C>A (p.Ile633=)

Gene: CDH3 (cadherin 3; plus strand). Cytogenetic location: 16q22.1.
Variant type: single nucleotide variant.
Coding change: c.1899C>A on transcript NM_001793.6 (MANE Select); coding-DNA position 1899, C replaced by A.
Protein change: p.Ile633=; no amino-acid change (isoleucine 633 retained).
Molecular consequence: synonymous variant.
Genome position (GRCh38, 1-based): chr16:68,691,823, C>A. VCF-style: chr16-68691823-C-A. GRCh37 (hg19) VCF-style: chr16-68725726-C-A.
Other names: c.1899C>A, p.Ile633= (NM_001317195.3); c.1734C>A, p.Ile578= (NM_001317196.2).
Identifiers: ClinVar variation 3054276 (VCV003054276.2), dbSNP rs1961585010, ClinGen allele CA496157342.